The following is an entry in ClinVar:

NM_024301.5(FKRP):c.484A>G (p.Thr162Ala)

Gene: FKRP (fukutin related protein; plus strand). Cytogenetic location: 19q13.32.
Variant type: single nucleotide variant.
Coding change: c.484A>G on transcript NM_024301.5 (MANE Select); coding-DNA position 484, A replaced by G.
Protein change: p.Thr162Ala; replaces threonine 162 with alanine.
Molecular consequence: missense variant.
Genome position (GRCh38, 1-based): chr19:46,755,934, A>G. VCF-style: chr19-46755934-A-G. GRCh37 (hg19) VCF-style: chr19-47259191-A-G.
Other names: c.484A>G, p.Thr162Ala (NM_001039885.3); short protein forms T162A.
Identifiers: ClinVar variation 2582215 (VCV002582215.1), dbSNP rs2513988667, ClinGen allele CA406495417.

ClinVar aggregate classification (germline): Uncertain significance (1 of 4 stars; one submission).

Submission:

GeneDx
Classification: Uncertain significance. Last evaluated: 2023-03-28. Review status: criteria provided, single submitter. Criteria: GeneDx Variant Classification Process June 2021. Collection method: clinical testing. Allele origin: germline. Affected: yes.
Comment: Not observed at significant frequency in large population cohorts (gnomAD); Missense variants in this gene are often considered pathogenic (HGMD); In silico analysis supports that this missense variant does not alter protein structure/function; Has not been previously published as pathogenic or benign to our knowledge